The following is an entry in ClinVar:

ClinVar aggregate classification (germline): Likely benign. Review status: criteria provided, multiple submitters, no conflicts (2 of 4 stars). 4 submissions from 4 submitters: Likely benign (4). Last evaluated 2025-12-24.

Conditions:
Familial thoracic aortic aneurysm and aortic dissection (TAAD). Also called: Thoracic aortic aneurysms and dissections. Identifiers: Orphanet 91387, MedGen C4707243, MONDO:0019625.
Aortic aneurysm, familial thoracic 4 (AAT4). Also called: AORTIC ANEURYSM/AORTIC DISSECTION AND PATENT DUCTUS ARTERIOSUS. Identifiers: MedGen C1851504, MONDO:0007568, OMIM 132900.

gnomAD v4.1: 2 of 1,604,814 alleles (0.00012%); highest among the groups gnomAD compares: Non-Finnish European, 0.000085%; no homozygotes.

Submissions (4):

Labcorp Genetics (formerly Invitae), Labcorp
Classification: Likely benign for Aortic aneurysm, familial thoracic 4. Last evaluated: 2025-12-24. Review status: criteria provided, single submitter. Criteria: Invitae Variant Classification Sherloc (09022015). Collection method: clinical testing. Allele origin: germline.

All of Us Research Program, National Institutes of Health
Classification: Likely benign for Familial thoracic aortic aneurysm and aortic dissection. Last evaluated: 2023-09-04. Review status: criteria provided, single submitter. Criteria: ACMG Guidelines, 2015. Collection method: clinical testing. Allele origin: germline. Inheritance: Autosomal dominant inheritance. Observed: 1 variant allele, 1 heterozygote.
Comment: This study involves interpretation of variants in research participants for the purpose of population health screening. Participant phenotype was not available at the time of variant classification. Additional details can be found in publication PMID: 35346344, PMCID: PMC8962531

Color Diagnostics, LLC DBA Color Health
Classification: Likely benign for Familial thoracic aortic aneurysm and aortic dissection. Last evaluated: 2023-08-31. Review status: criteria provided, single submitter. Criteria: ACMG Guidelines, 2015. Collection method: clinical testing. Allele origin: germline.

Ambry Genetics
Classification: Likely benign for Familial thoracic aortic aneurysm and aortic dissection. Last evaluated: 2021-06-12. Review status: criteria provided, single submitter. Criteria: Ambry Variant Classification Scheme 2023. Collection method: clinical testing. Allele origin: germline.

NM_002474.3(MYH11):c.5226G>A (p.Glu1742=)

Genes: NDE1 (nudE neurodevelopment protein 1; plus strand), MYH11 (myosin heavy chain 11; minus strand). Cytogenetic location: 16p13.11.
Variant type: single nucleotide variant.
Coding change: c.5226G>A on transcript NM_002474.3 (MANE Select); coding-DNA position 5226, G replaced by A.
Protein change: p.Glu1742=; no amino-acid change (glutamic acid 1742 retained).
Molecular consequence: synonymous variant. On other transcripts: intron variant (2).
Genome position (GRCh38, 1-based): chr16:15,718,384, C>T on the plus strand (G>A on the coding strand, the complement: MYH11 is on the minus strand). VCF-style: chr16-15718384-C-T. GRCh37 (hg19) VCF-style: chr16-15812241-C-T.
Other names: c.5247G>A, p.Glu1749= (NM_001040113.2, NM_001040114.2); c.5226G>A, p.Glu1742= (NM_022844.3); c.948-5807C>T (NM_001143979.2, NM_017668.3).
Identifiers: ClinVar variation 1746178 (VCV001746178.6), dbSNP rs144421849, ClinGen allele CA493752795.
Genomic context (GRCh38, chr16:15,718,384, plus strand): 5'-GGCTTTGCGGACCCGGTCGCTCATGGCCTCCATGTTGCCCTGCTCCTCCTCCAGCTCCTC[C>T]TCCAGCTGGGCGATCCGGGCCTCCAGGCGGCGCTTCTCGTCCTGGAGTGCGTTCCTGGGG-3'
Protein context (NP_002465.1, residues 1732-1752): RRLEARIAQL[Glu1742=]EELEEEQGNM